The following is an entry in ClinVar:

NM_001104631.2(PDE4D):c.260C>T (p.Pro87Leu)

Gene: PDE4D (phosphodiesterase 4D; minus strand). Cytogenetic location: 5q12.1.
Variant type: single nucleotide variant.
Coding change: c.260C>T on transcript NM_001104631.2 (MANE Select); coding-DNA position 260, C replaced by T.
Protein change: p.Pro87Leu; replaces proline 87 with leucine.
Molecular consequence: missense variant. On other transcripts: intron variant (5).
Genome position (GRCh38, 1-based): chr5:59,893,363, G>A on the plus strand (C>T on the coding strand, the complement: PDE4D is on the minus strand). VCF-style: chr5-59893363-G-A. GRCh37 (hg19) VCF-style: chr5-59189190-G-A.
Other names: c.272+95125C>T (NM_001364599.1, NM_001165899.2, NM_001364600.2); c.-240+95125C>T (NM_001349243.2); c.242+95125C>T (NM_001349241.2); short protein forms P87L.
Identifiers: ClinVar variation 2895062 (VCV002895062.4), dbSNP rs1751255319, ClinGen allele CA359932752.

ClinVar aggregate classification (germline): Uncertain significance. Review status: criteria provided, multiple submitters, no conflicts (2 of 4 stars). 2 submissions from 2 submitters: Uncertain significance (2). Last evaluated 2024-09-12.

Conditions:
Acrodysostosis 2 with or without hormone resistance. Also called: ACRODYSOSTOSIS 2 WITH HORMONE RESISTANCE; ACRODYSOSTOSIS 2 WITHOUT HORMONE RESISTANCE. Identifiers: Orphanet 280651, MedGen C3553250, MONDO:0013822, OMIM 614613.

gnomAD v4.1: 3 of 1,237,422 alleles (0.00024%); highest among the groups gnomAD compares: South Asian, 0.0037%; no homozygotes.

Submissions (2):

Revvity Omics, Revvity
Classification: Uncertain significance for Acrodysostosis 2 with or without hormone resistance. Last evaluated: 2024-09-12. Review status: criteria provided, single submitter. Criteria: ACMG Guidelines, 2015. Collection method: clinical testing. Allele origin: germline.

Labcorp Genetics (formerly Invitae), Labcorp
Classification: Uncertain significance. Last evaluated: 2023-06-10. Review status: criteria provided, single submitter. Criteria: Invitae Variant Classification Sherloc (09022015). Collection method: clinical testing. Allele origin: germline.
Comment: In summary, the available evidence is currently insufficient to determine the role of this variant in disease. Therefore, it has been classified as a Variant of Uncertain Significance. Algorithms developed to predict the effect of missense changes on protein structure and function output the following: SIFT: "Not Available"; PolyPhen-2: "Benign"; Align-GVGD: "Not Available". The leucine amino acid residue is found in multiple mammalian species, which suggests that this missense change does not adversely affect protein function. This variant has not been reported in the literature in individuals affected with PDE4D-related conditions. This variant is not present in population databases (gnomAD no frequency). This sequence change replaces proline, which is neutral and non-polar, with leucine, which is neutral and non-polar, at codon 87 of the PDE4D protein (p.Pro87Leu).